The following is an entry in ClinVar:

ClinVar aggregate classification (germline): Uncertain significance (1 of 4 stars; one submission).

Conditions:
PIEZO2-related disorder. Also called: PIEZO2-related condition; PIEZO2-related disorders.

gnomAD v4.1: 1 of 1,535,830 alleles (0.000065%); highest among the groups gnomAD compares: Middle Eastern, 0.017%; no homozygotes.

Submission:

PreventionGenetics, part of Exact Sciences
Classification: Uncertain significance for PIEZO2-related condition. Last evaluated: 2026-07-09. Review status: criteria provided, single submitter. Criteria: ACMG Guidelines, 2015. Collection method: clinical testing. Allele origin: germline.
Comment: The PIEZO2 c.4796A>G variant is predicted to result in the amino acid substitution p.Lys1599Arg. To our knowledge, this variant has not been reported in the literature. This variant is reported in 0.0% of alleles in individuals of African descent in gnomAD. At this time, the clinical significance of this variant is uncertain due to the absence of conclusive functional and genetic evidence.

NM_001378183.1(PIEZO2):c.4970A>G (p.Lys1657Arg)

Gene: PIEZO2 (piezo type mechanosensitive ion channel component 2; minus strand). Cytogenetic location: 18p11.22.
Variant type: single nucleotide variant.
Coding change: c.4970A>G on transcript NM_001378183.1 (MANE Select); coding-DNA position 4970, A replaced by G.
Protein change: p.Lys1657Arg; replaces lysine 1657 with arginine.
Molecular consequence: missense variant.
Genome position (GRCh38, 1-based): chr18:10,731,466, T>C on the plus strand (A>G on the coding strand, the complement: PIEZO2 is on the minus strand). VCF-style: chr18-10731466-T-C. GRCh37 (hg19) VCF-style: chr18-10731464-T-C.
Other names: c.4871A>G, p.Lys1624Arg (NM_001410871.1); c.4796A>G, p.Lys1599Arg (NM_022068.4); short protein forms K1599R, K1624R, K1657R.
Identifiers: ClinVar variation 4978607 (VCV004978607.1).
Genomic context (GRCh38, chr18:10,731,466, plus strand): 5'-CCCTCCTTGGATCCTTTCCGCCTTCGTTTCCGTTCTTCTCTTGCAGACCTTTTTTTCTCT[T>C]TGTGTCTTTGTCGGAGTGCTGTTTTAGGATCAGTAATCCAGGCTTGATAAACAAACTGAA-3'
Protein context (NP_001365112.1, residues 1647-1667): DPKTALRQRH[Lys1657Arg]EKKRSAREER